The following is an entry in ClinVar:

ClinVar aggregate classification (germline): Uncertain significance. Review status: criteria provided, single submitter (1 of 4 stars). 2 submissions from 2 submitters: Uncertain significance (1). 1 of the submissions does not count toward it. Last evaluated 2022-09-08.

Conditions:
Bilateral frontoparietal polymicrogyria. Also called: CORTICAL DYSPLASIA, COMPLEX, WITH OTHER BRAIN MALFORMATIONS 14A (BILATERAL FRONTOPARIETAL); CEREBELLAR ATAXIA WITH NEURONAL MIGRATION DEFECT. Identifiers: Orphanet 101070, MedGen C1847352, MONDO:0011738, OMIM 606854.

Allele frequency attached by ClinVar (database versions not stated): gnomAD exomes below 0.00001 and 0.00003; TOPMed below 0.00001; gnomAD 0.00001.
gnomAD v4.1: 42 of 1,613,922 alleles (0.0026%); highest among the groups gnomAD compares: East Asian, 0.091%; 1 homozygote.

Submissions (2):

Labcorp Genetics (formerly Invitae), Labcorp
Classification: Uncertain significance. Last evaluated: 2022-09-08. Review status: criteria provided, single submitter. Criteria: Invitae Variant Classification Sherloc (09022015). Collection method: clinical testing. Allele origin: germline.
Comment: This sequence change replaces valine, which is neutral and non-polar, with methionine, which is neutral and non-polar, at codon 395 of the ADGRG1 protein (p.Val395Met). This variant is present in population databases (no rsID available, gnomAD 0.006%). This variant has not been reported in the literature in individuals affected with ADGRG1-related conditions. ClinVar contains an entry for this variant (Variation ID: 989971). Advanced modeling of protein sequence and biophysical properties (such as structural, functional, and spatial information, amino acid conservation, physicochemical variation, residue mobility, and thermodynamic stability) performed at Invitae indicates that this missense variant is not expected to disrupt ADGRG1 protein function. In summary, the available evidence is currently insufficient to determine the role of this variant in disease. Therefore, it has been classified as a Variant of Uncertain Significance.

Natera, Inc.
Classification: Uncertain significance for Bilateral frontoparietal polymicrogyria. Last evaluated: 2020-08-13. Review status: no assertion criteria provided. Collection method: clinical testing. Allele origin: germline. Not counted in ClinVar's aggregate classification.

NM_201525.4(ADGRG1):c.1183G>A (p.Val395Met)

Gene: ADGRG1 (adhesion G protein-coupled receptor G1; plus strand). Cytogenetic location: 16q21.
Variant type: single nucleotide variant.
Coding change: c.1183G>A on transcript NM_201525.4 (MANE Select); coding-DNA position 1183, G replaced by A.
Protein change: p.Val395Met; replaces valine 395 with methionine.
Molecular consequence: missense variant.
Genome position (GRCh38, 1-based): chr16:57,657,388, G>A. VCF-style: chr16-57657388-G-A. GRCh37 (hg19) VCF-style: chr16-57691300-G-A.
Other names: c.1183G>A, p.Val395Met (NM_001145771.3, NM_001145772.3, NM_001145774.3 and 14 more transcripts); c.1198G>A, p.Val400Met (NM_001145773.3, NM_001370433.1); c.673G>A, p.Val225Met (NM_001290142.2); c.658G>A, p.Val220Met (NM_001290143.2, NM_001290144.2, NM_001370451.1 and 2 more transcripts); c.1180G>A, p.Val394Met (NM_001370434.1, NM_001370441.1); c.1027G>A, p.Val343Met (NM_001370442.1); short protein forms V220M, V225M, V343M, V394M, V395M, V400M.
Identifiers: ClinVar variation 989971 (VCV000989971.3), dbSNP rs1343993863, ClinGen allele CA396049129.